The following is an entry in ClinVar:

ClinVar aggregate classification (germline): Uncertain significance. Review status: criteria provided, multiple submitters, no conflicts (2 of 4 stars). 2 submissions from 2 submitters: Uncertain significance (2). Last evaluated 2024-12-12.

Conditions:
Hereditary cancer-predisposing syndrome. Also called: Neoplastic Syndromes, Hereditary; Tumor predisposition; Hereditary neoplastic syndrome; Hereditary Cancer Syndrome. Identifiers: Orphanet 140162, MedGen C0027672, MeSH D009386, MONDO:0015356.
Rhabdoid tumor predisposition syndrome 2 (RTPS2). Identifiers: Orphanet 231108, Orphanet 69077, MedGen C2750074, MONDO:0013224, OMIM 613325.

Allele frequency attached by ClinVar (database versions not stated): TOPMed below 0.00001; gnomAD 0.00001.
gnomAD v4.1: 8 of 1,548,274 alleles (0.00052%); highest among the groups gnomAD compares: Non-Finnish European, 0.00061%; no homozygotes.

Submissions (2):

Ambry Genetics
Classification: Uncertain significance for Hereditary cancer-predisposing syndrome. Last evaluated: 2024-12-12. Review status: criteria provided, single submitter. Criteria: Ambry Variant Classification Scheme 2023. Collection method: clinical testing. Allele origin: germline.
Comment: The p.P222S variant (also known as c.664C>T), located in coding exon 3 of the SMARCA4 gene, results from a C to T substitution at nucleotide position 664. The proline at codon 222 is replaced by serine, an amino acid with similar properties. This amino acid position is well conserved in available vertebrate species. This variant was detected in multiple individuals with no reported features of Coffin-Siris syndrome (Ambry internal data). In addition, this alteration is predicted to be tolerated by in silico analysis. Based on the supporting evidence, the association of this alteration with rhabdoid tumor predisposition syndrome is unknown; however, the association of this alteration with Coffin-Siris syndrome is unlikely.

Labcorp Genetics (formerly Invitae), Labcorp
Classification: Uncertain significance for Rhabdoid tumor predisposition syndrome 2. Last evaluated: 2024-01-06. Review status: criteria provided, single submitter. Criteria: Invitae Variant Classification Sherloc (09022015). Collection method: clinical testing. Allele origin: germline.
Comment: This sequence change replaces proline, which is neutral and non-polar, with serine, which is neutral and polar, at codon 222 of the SMARCA4 protein (p.Pro222Ser). This variant is not present in population databases (gnomAD no frequency). This variant has not been reported in the literature in individuals affected with SMARCA4-related conditions. ClinVar contains an entry for this variant (Variation ID: 641836). Advanced modeling of protein sequence and biophysical properties (such as structural, functional, and spatial information, amino acid conservation, physicochemical variation, residue mobility, and thermodynamic stability) performed at Invitae indicates that this missense variant is not expected to disrupt SMARCA4 protein function with a negative predictive value of 95%. In summary, the available evidence is currently insufficient to determine the role of this variant in disease. Therefore, it has been classified as a Variant of Uncertain Significance.

NM_003072.5(SMARCA4):c.664C>T (p.Pro222Ser)

Gene: SMARCA4 (SWI/SNF related BAF chromatin remodeling complex subunit ATPase 4; plus strand). Cytogenetic location: 19p13.2.
Variant type: single nucleotide variant.
Coding change: c.664C>T on transcript NM_003072.5 (MANE Select); coding-DNA position 664, C replaced by T.
Protein change: p.Pro222Ser; replaces proline 222 with serine.
Molecular consequence: missense variant. On other transcripts: non-coding transcript variant (1).
Genome position (GRCh38, 1-based): chr19:10,986,497, C>T. VCF-style: chr19-10986497-C-T. GRCh37 (hg19) VCF-style: chr19-11097173-C-T.
Other names: c.664C>T, p.Pro222Ser (NM_001128844.3, NM_001128845.2, NM_001128846.2 and 5 more transcripts); short protein forms P222S.
Identifiers: ClinVar variation 641836 (VCV000641836.12), dbSNP rs1466661081, ClinGen allele CA404056873.
Genomic context (GRCh38, chr19:10,986,497, plus strand): 5'-ATGGCGGTGCAGGGCAAGCGGCCGATGCCCGGGATGCAGCAGCAGATGCCAACGCTACCT[C>T]CACCCTCGGTGTCCGCAACAGGACCCGGCCCTGGCCCTGGCCCTGGCCCCGGCCCGGGTC-3'
Protein context (NP_003063.2, residues 212-232): GMQQQMPTLP[Pro222Ser]PSVSATGPGP